The following is an entry in ClinVar:

ClinVar aggregate classification (germline): Pathogenic/Likely pathogenic. Review status: criteria provided, multiple submitters, no conflicts (2 of 4 stars). 6 submissions from 6 submitters: Pathogenic (1); Likely pathogenic (4). 1 of the submissions does not count toward it. Last evaluated 2025-03-21.

Conditions:
Plasma factor XI deficiency.
Hereditary factor XI deficiency disease. Also called: Congenital factor XI deficiency; PLASMA THROMBOPLASTIN ANTECEDENT DEFICIENCY; PTA DEFICIENCY; ROSENTHAL SYNDROME. Identifiers: Orphanet 329, MedGen C0015523, MeSH D005173, MONDO:0012897, OMIM 612416.

Allele frequency attached by ClinVar (database versions not stated): gnomAD exomes below 0.00001 and 0.00001; gnomAD 0.00001; TOPMed 0.00001; ExAC 0.00002; 1000 Genomes Project 30x 0.00016; 1000 Genomes Project 0.00020.
gnomAD v4.1: 9 of 1,614,208 alleles (0.00056%); highest among the groups gnomAD compares: African/African-American, 0.0013%; no homozygotes.

Submissions (6):

Natera, Inc.
Classification: Likely pathogenic for Plasma factor XI deficiency. Last evaluated: 2025-03-21. Review status: criteria provided, single submitter. Criteria: Natera Variant Classification Schema (03/2026). Collection method: clinical testing. Allele origin: germline.
Comment: The c.1199C>T variant in F11 is a missense variant predicted to cause substitution of proline to leucine at amino acid 400. This variant is rare in the general population with a frequency below the threshold expected for the associated phenotype(s). This variant has been observed in one or more individuals affected with the associated recessive disease, as either homozygous or compound heterozygous with a second variant (PMID: 16835901, 16079124). This variant has been identified in one or more affected individuals with a phenotype highly consistent with the associated gene (PMID: 16079124). Computational prediction algorithms indicate this variant is likely to affect gene or protein function. Given the available evidence, this variant is classified as Likely Pathogenic.

Mayo Clinic Laboratories, Mayo Clinic
Classification: Likely pathogenic. Last evaluated: 2020-12-29. Review status: criteria provided, single submitter. Criteria: ACMG Guidelines, 2015. Collection method: clinical testing. Allele origin: germline. Observed: 1 variant allele.
Comment: PM1, PM2, PS4_moderate, PP3

NIHR Bioresource Rare Diseases, University of Cambridge
Classification: Likely pathogenic for Hereditary factor XI deficiency disease. Last evaluated: 2019-02-01. Review status: criteria provided, single submitter. Criteria: ACMG Guidelines, 2015. Collection method: research. Allele origin: unknown. Affected: yes. Observed: 1 heterozygote. Study: ThromboGenomics.

GeneDx
Classification: Likely pathogenic. Last evaluated: 2016-12-23. Review status: criteria provided, single submitter. Criteria: GeneDx Variant Classification (06012015). Collection method: clinical testing. Allele origin: germline. Affected: yes.
Comment: The P400L variant in the F11 gene has been reported previously, using alternate nomenclature P382L, in association with factor XI deficiency, in affected individuals who were compound heterozygous for the P400L variant and another variant (QuÃ©lin et al., 2005; Mitchell et al., 2006). The P400L variant has also been reported in an individual with mild factor XI deficiency who was heterozygous for the P400L variant with no second variant identified (Castaman et al., 2014). The P400L variant was not observed in approximately 6,500 individuals of European and African American ancestry in the NHLBI Exome Sequencing Project, indicating it is not a common benign variant in these populations. The P400L variant is a semi-conservative amino acid substitution, which may impact secondary protein structure as these residues differ in some properties. This substitution occurs at a position that is conserved across species. In silico analysis predicts this variant is probably damaging to the protein structure/function. Missense variants in the same and nearby residues (R396C, W399L, P400T, W401R, V403M, T404N) have been reported in the Human Gene Mutation Database in association with factor XI deficiency (Stenson et al., 2014), supporting the functional importance of this region of the protein. In addition, the P400L variant belongs to the SP domain, within the loop to beta-B, where other variants associated with factor XI deficiency have been reported (Saunders et al., 2009). The P400L variant is a strong candidate for a pathogenic variant, however the possibility it may be a rare benign variant cannot be excluded.

Juno Genomics, Hangzhou Juno Genomics, Inc
Classification: Pathogenic for Hereditary factor XI deficiency disease. Review status: criteria provided, single submitter. Criteria: ACMG Guidelines, 2015. Collection method: clinical testing. Allele origin: germline.
Comment: Absent from controls (or at extremely low frequency if recessive) in Genome Aggregation Database.;Multiple lines of computational evidence support a deleterious effect on the gene or gene product.;For recessive disorders, detected in trans with a pathogenic variant.;The prevalence of the variant in affected individuals is significantly increased compared to the prevalence in controls.;Patient's phenotype or family history is highly specific for a disease with a single genetic etiology.

ISTH-SSC Genomics in Thrombosis and Hemostasis, KU Leuven, Center for Molecular and Vascular Biology
Classification: Likely pathogenic for Hereditary factor XI deficiency disease. Review status: no assertion criteria provided. Collection method: clinical testing. Allele origin: unknown. Affected: yes. Not counted in ClinVar's aggregate classification.
Comment: Submitted to GoldVariant by Bilal Jradeh from Katharine Dormandy Haemophilia and Thrombosis Centre, Royal Free Hospital, London, UK

Literature cited by the submitters: PubMed 16835901 (cited by Natera, Inc.); PubMed 16079124 (cited by Natera, Inc.); PubMed 19652879 (cited by Mayo Clinic Laboratories, Mayo Clinic); PubMed 24112640 (cited by Mayo Clinic Laboratories, Mayo Clinic); PubMed 31064749 (cited by NIHR Bioresource Rare Diseases, University of Cambridge).

NM_000128.4(F11):c.1199C>T (p.Pro400Leu)

Gene: F11 (coagulation factor XI; plus strand). Cytogenetic location: 4q35.2.
Variant type: single nucleotide variant.
Coding change: c.1199C>T on transcript NM_000128.4 (MANE Select); coding-DNA position 1199, C replaced by T.
Protein change: p.Pro400Leu; replaces proline 400 with leucine.
Molecular consequence: missense variant.
Genome position (GRCh38, 1-based): chr4:186,284,155, C>T. VCF-style: chr4-186284155-C-T. GRCh37 (hg19) VCF-style: chr4-187205309-C-T.
Other names: short protein forms P400L.
Identifiers: ClinVar variation 381729 (VCV000381729.15), dbSNP rs533335580, ClinGen allele CA3163918.
Genomic context (GRCh38, chr4:186,284,155, plus strand): 5'-GTACCACCAAAATCAAGCCCAGGATCGTTGGAGGAACTGCGTCTGTTCGTGGTGAGTGGC[C>T]GTGGCAGGTGACCCTGCACACAACCTCACCCACTCAGAGACACCTGTGTGGAGGCTCCAT-3'
Protein context (NP_000119.1, residues 390-410): GGTASVRGEW[Pro400Leu]WQVTLHTTSP